The following is an entry in ClinVar:

NM_000492.4(CFTR):c.580-3C>T

Gene: CFTR (CF transmembrane conductance regulator; plus strand). Cytogenetic location: 7q31.2.
Variant type: single nucleotide variant.
Coding change: c.580-3C>T on transcript NM_000492.4 (MANE Select); 3 bases into the intron before coding-DNA position 580, C replaced by T.
Molecular consequence: intron variant.
Genome position (GRCh38, 1-based): chr7:117,535,245, C>T. VCF-style: chr7-117535245-C-T. GRCh37 (hg19) VCF-style: chr7-117175299-C-T.
Identifiers: ClinVar variation 1463452 (VCV001463452.6), dbSNP rs2116676312, ClinGen allele CA2573141553.
Genomic context (GRCh38, chr7:117,535,245, plus strand): 5'-TTGTTAGTTTCTAGGGGTGGAAGATACAATGACACCTGTTTTTGCTGTGCTTTTATTTTC[C>T]AGGGACTTGCATTGGCACATTTCGTGTGGATCGCTCCTTTGCAAGTGGCACTCCTCATGG-3'

ClinVar aggregate classification (germline): Uncertain significance (1 of 4 stars; one submission).

Conditions:
Cystic fibrosis (CF). Also called: MUCOVISCIDOSIS. Identifiers: Orphanet 586, MedGen C0010674, MONDO:0009061, OMIM 219700. Disease mechanism: loss of function.

Submission:

Labcorp Genetics (formerly Invitae), Labcorp
Classification: Uncertain significance for Cystic fibrosis. Last evaluated: 2021-05-27. Review status: criteria provided, single submitter. Criteria: Invitae Variant Classification Sherloc (09022015). Collection method: clinical testing. Allele origin: germline.
Comment: This sequence change falls in intron 5 of the CFTR gene. It does not directly change the encoded amino acid sequence of the CFTR protein. It affects a nucleotide within the consensus splice site of the intron. In summary, the available evidence is currently insufficient to determine the role of this variant in disease. Therefore, it has been classified as a Variant of Uncertain Significance. Nucleotide substitutions within the consensus splice site are a relatively common cause of aberrant splicing (PMID: 17576681, 9536098). Algorithms developed to predict the effect of sequence changes on RNA splicing suggest that this variant is not likely to affect RNA splicing, but this prediction has not been confirmed by published transcriptional studies. This variant has not been reported in the literature in individuals with CFTR-related conditions. This variant is not present in population databases (ExAC no frequency).

Literature cited by the submitters: PubMed 17576681; PubMed 9536098.